The following is an entry in ClinVar:

NM_003200.5(TCF3):c.1242C>A (p.Asp414Glu)

Gene: TCF3 (transcription factor 3; minus strand). Cytogenetic location: 19p13.3.
Variant type: single nucleotide variant.
Coding change: c.1242C>A on transcript NM_003200.5 (MANE Select); coding-DNA position 1242, C replaced by A.
Protein change: p.Asp414Glu; replaces aspartic acid 414 with glutamic acid.
Molecular consequence: missense variant.
Genome position (GRCh38, 1-based): chr19:1,619,400, G>T on the plus strand (C>A on the coding strand, the complement: TCF3 is on the minus strand). VCF-style: chr19-1619400-G-T. GRCh37 (hg19) VCF-style: chr19-1619399-G-T.
Other names: c.1242C>A, p.Asp414Glu (NM_001136139.4, NM_001351779.2); c.1239C>A, p.Asp413Glu (NM_001351778.2); short protein forms D413E, D414E.
Identifiers: ClinVar variation 1423681 (VCV001423681.6), dbSNP rs1599557300, ClinGen allele CA403053231.

ClinVar aggregate classification (germline): Uncertain significance (1 of 4 stars; one submission).

Submission:

Labcorp Genetics (formerly Invitae), Labcorp
Classification: Uncertain significance. Last evaluated: 2023-10-13. Review status: criteria provided, single submitter. Criteria: Invitae Variant Classification Sherloc (09022015). Collection method: clinical testing. Allele origin: germline.
Comment: This sequence change replaces aspartic acid, which is acidic and polar, with glutamic acid, which is acidic and polar, at codon 414 of the TCF3 protein (p.Asp414Glu). This variant is not present in population databases (gnomAD no frequency). This variant has not been reported in the literature in individuals affected with TCF3-related conditions. ClinVar contains an entry for this variant (Variation ID: 1423681). Advanced modeling of protein sequence and biophysical properties (such as structural, functional, and spatial information, amino acid conservation, physicochemical variation, residue mobility, and thermodynamic stability) performed at Invitae indicates that this missense variant is not expected to disrupt TCF3 protein function. In summary, the available evidence is currently insufficient to determine the role of this variant in disease. Therefore, it has been classified as a Variant of Uncertain Significance.